The following is an entry in ClinVar:

NM_001353921.2(ARHGEF9):c.419G>A (p.Cys140Tyr)

Gene: ARHGEF9 (Cdc42 guanine nucleotide exchange factor 9; minus strand). Cytogenetic location: Xq11.1.
Variant type: single nucleotide variant.
Coding change: c.419G>A on transcript NM_001353921.2 (MANE Select); coding-DNA position 419, G replaced by A.
Protein change: p.Cys140Tyr; replaces cysteine 140 with tyrosine.
Molecular consequence: missense variant. On other transcripts: 5 prime UTR variant (1).
Genome position (GRCh38, 1-based): chrX:63,697,288, C>T on the plus strand (G>A on the coding strand, the complement: ARHGEF9 is on the minus strand). VCF-style: chrX-63697288-C-T. GRCh37 (hg19) VCF-style: chrX-62917168-C-T.
Other names: c.239G>A, p.Cys80Tyr (NM_001173479.2); c.92G>A, p.Cys31Tyr (NM_001173480.2, NM_001369042.1); c.335G>A, p.Cys112Tyr (NM_001330495.2, NM_001353927.2, NM_001369033.1 and 8 more transcripts); c.419G>A, p.Cys140Tyr (NM_001353922.2); c.437G>A, p.Cys146Tyr (NM_001353923.1); c.218G>A, p.Cys73Tyr (NM_001353924.2, NM_001353926.2, NM_001369039.1 and 1 more transcripts); c.398G>A, p.Cys133Tyr (NM_001353928.2, NM_001369030.1, NM_001369031.1 and 2 more transcripts); c.-17G>A (NM_001369045.1); short protein forms C112Y, C133Y, C140Y, C146Y, C31Y, C73Y, C80Y.
Identifiers: ClinVar variation 1707533 (VCV001707533.1), dbSNP rs2519844189, ClinGen allele CA413407204.
Genomic context (GRCh38, chrX:63,697,288, plus strand): 5'-TCAATGTTCCCAAAGATTACCTTCAGTTGCTCGTCACTGAACATGTCCCTTCTCTTCCGG[C>T]ACTGCTTCAGATAGCCCTGTAGACAAAGAAAAAGCCTAGGCTGAGGAAGTCCCTGACTTC-3'
Protein context (NP_001340850.1, residues 130-150): KDICEGYLKQ[Cys140Tyr]RKRRDMFSDE

ClinVar aggregate classification (germline): Likely pathogenic (1 of 4 stars; one submission).

Conditions:
Developmental and epileptic encephalopathy, 8 (DEE8). Also called: HYPEREKPLEXIA AND EPILEPSY. Identifiers: Orphanet 163985, Orphanet 2076, MedGen C1845102, MONDO:0010375, OMIM 300607.

Submission:

Institute of Human Genetics, University of Leipzig Medical Center
Classification: Likely pathogenic for Developmental and epileptic encephalopathy, 8. Last evaluated: 2022-09-08. Review status: criteria provided, single submitter. Criteria: ACMG Guidelines, 2015. Collection method: clinical testing. Allele origin: de novo. Affected: yes.
Comment: This variant was identified as hemizygous._x000D_ Criteria applied: PS2_MOD, PM1, PM2_SUP, PP3